The following is an entry in ClinVar:

ClinVar aggregate classification (germline): Uncertain significance (1 of 4 stars; one submission).

Conditions:
Hereditary cancer-predisposing syndrome. Also called: Tumor predisposition; Hereditary neoplastic syndrome; Neoplastic Syndromes, Hereditary; Hereditary Cancer Syndrome. Identifiers: Orphanet 140162, MedGen C0027672, MeSH D009386, MONDO:0015356.

Submission:

Labcorp Genetics (formerly Invitae), Labcorp
Classification: Uncertain significance for Hereditary cancer-predisposing syndrome. Last evaluated: 2019-08-13. Review status: criteria provided, single submitter. Criteria: Invitae Variant Classification Sherloc (09022015). Collection method: clinical testing. Allele origin: germline.
Comment: In summary, the available evidence is currently insufficient to determine the role of this variant in disease. Therefore, it has been classified as a Variant of Uncertain Significance. This sequence change replaces serine with proline at codon 1297 of the RAD50 protein (p.Ser1297Pro). The serine residue is highly conserved and there is a moderate physicochemical difference between serine and proline. This variant is not present in population databases (ExAC no frequency). This variant has not been reported in the literature in individuals with RAD50-related conditions. Algorithms developed to predict the effect of missense changes on protein structure and function are either unavailable or do not agree on the potential impact of this missense change (SIFT: "Deleterious"; PolyPhen-2: "Probably Damaging"; Align-GVGD: "Class C0").

NM_005732.4(RAD50):c.3889T>C (p.Ser1297Pro)

Genes: RAD50 (RAD50 double strand break repair protein; plus strand), TH2LCRR (T helper type 2 locus control region associated RNA; minus strand). Cytogenetic location: 5q31.1.
Variant type: single nucleotide variant.
Coding change: c.3889T>C on transcript NM_005732.4 (MANE Select); coding-DNA position 3889, T replaced by C.
Protein change: p.Ser1297Pro; replaces serine 1297 with proline.
Molecular consequence: missense variant.
Genome position (GRCh38, 1-based): chr5:132,642,314, T>C. VCF-style: chr5-132642314-T-C. GRCh37 (hg19) VCF-style: chr5-131978006-T-C.
Other names: short protein forms S1297P.
Identifiers: ClinVar variation 960754 (VCV000960754.10), dbSNP rs905344109, ClinGen allele CA360937262.